The following is an entry in ClinVar:

NM_006796.3(AFG3L2):c.1402C>G (p.Arg468Gly)

Gene: AFG3L2 (AFG3 like matrix AAA peptidase subunit 2; minus strand). Cytogenetic location: 18p11.21.
Variant type: single nucleotide variant.
Coding change: c.1402C>G on transcript NM_006796.3 (MANE Select); coding-DNA position 1402, C replaced by G.
Protein change: p.Arg468Gly; replaces arginine 468 with glycine.
Molecular consequence: missense variant.
Genome position (GRCh38, 1-based): chr18:12,351,330, G>C on the plus strand (C>G on the coding strand, the complement: AFG3L2 is on the minus strand). VCF-style: chr18-12351330-G-C. GRCh37 (hg19) VCF-style: chr18-12351329-G-C.
Other names: short protein forms R468G.
Identifiers: ClinVar variation 3637528 (VCV003637528.2).
Genomic context (GRCh38, chr18:12,351,330, plus strand): 5'-TGAGCACTGGACCTGCCCCAGCAAACATCATCTCACCAATAAAGATCTGCCTGTCGAAAC[G>C]CCCCGGCCTAAGCAGCGCGGGGTCCAGGATATCTGGTCGATTGGTGCCGGCCAAAATGAC-3'
Protein context (NP_006787.2, residues 458-478): ILDPALLRPG[Arg468Gly]FDRQIFIGPP

ClinVar aggregate classification (germline): Likely pathogenic (1 of 4 stars; one submission).

Submission:

Labcorp Genetics (formerly Invitae), Labcorp
Classification: Likely pathogenic. Last evaluated: 2024-11-17. Review status: criteria provided, single submitter. Criteria: Invitae Variant Classification Sherloc (09022015). Collection method: clinical testing. Allele origin: germline.
Comment: This sequence change replaces arginine, which is basic and polar, with glycine, which is neutral and non-polar, at codon 468 of the AFG3L2 protein (p.Arg468Gly). This variant is not present in population databases (gnomAD no frequency). This variant has not been reported in the literature in individuals affected with AFG3L2-related conditions. Invitae Evidence Modeling of protein sequence and biophysical properties (such as structural, functional, and spatial information, amino acid conservation, physicochemical variation, residue mobility, and thermodynamic stability) indicates that this missense variant is expected to disrupt AFG3L2 protein function with a positive predictive value of 95%. This variant disrupts the p.Arg468 amino acid residue in AFG3L2. Other variant(s) that disrupt this residue have been determined to be pathogenic (PMID: 30252181). This suggests that this residue is clinically significant, and that variants that disrupt this residue are likely to be disease-causing. In summary, the currently available evidence indicates that the variant is pathogenic, but additional data are needed to prove that conclusively. Therefore, this variant has been classified as Likely Pathogenic.

Literature cited by the submitters: PubMed 30252181.